The following is an entry in ClinVar:

ClinVar aggregate classification (germline): Uncertain significance (1 of 4 stars; one submission).

Allele frequency attached by ClinVar (database versions not stated): gnomAD 0.00001; gnomAD exomes 0.00001; TOPMed 0.00002.

Submission:

Labcorp Genetics (formerly Invitae), Labcorp
Classification: Uncertain significance. Last evaluated: 2025-10-10. Review status: criteria provided, single submitter. Criteria: Invitae Variant Classification Sherloc (09022015). Collection method: clinical testing. Allele origin: germline.
Comment: This sequence change replaces valine, which is neutral and non-polar, with methionine, which is neutral and non-polar, at codon 257 of the KCNH1 protein (p.Val257Met). This variant is present in population databases (no rsID available, gnomAD 0.009%). This variant has not been reported in the literature in individuals affected with KCNH1-related conditions. ClinVar contains an entry for this variant (Variation ID: 1351802). Invitae Evidence Modeling of protein sequence and biophysical properties (such as structural, functional, and spatial information, amino acid conservation, physicochemical variation, residue mobility, and thermodynamic stability) has been performed for this missense variant. However, the output from this modeling did not meet the statistical confidence thresholds required to predict the impact of this variant on KCNH1 protein function. In summary, the available evidence is currently insufficient to determine the role of this variant in disease. Therefore, it has been classified as a Variant of Uncertain Significance.

NM_172362.3(KCNH1):c.769G>A (p.Val257Met)

Gene: KCNH1 (potassium voltage-gated channel subfamily H member 1; minus strand). Cytogenetic location: 1q32.2.
Variant type: single nucleotide variant.
Coding change: c.769G>A on transcript NM_172362.3 (MANE Select); coding-DNA position 769, G replaced by A.
Protein change: p.Val257Met; replaces valine 257 with methionine.
Molecular consequence: missense variant.
Genome position (GRCh38, 1-based): chr1:211,019,046, C>T on the plus strand (G>A on the coding strand, the complement: KCNH1 is on the minus strand). VCF-style: chr1-211019046-C-T. GRCh37 (hg19) VCF-style: chr1-211192388-C-T.
Other names: c.769G>A, p.Val257Met (NM_002238.4); short protein forms V257M.
Identifiers: ClinVar variation 1351802 (VCV001351802.8), dbSNP rs897024131, ClinGen allele CA37149618.
Genomic context (GRCh38, chr1:211,019,046, plus strand): 5'-CTGGTCCAACAAAGGTGGTATGAAAATTGAGCACAATGTCCACCAAAAAGATAACATCCA[C>T]GATGCTATCAACAACCAGCCAGGCCACATTATTCTGCCTGGTTTTGAAGGAGACATTATA-3'
Protein context (NP_758872.1, residues 247-267): NVAWLVVDSI[Val257Met]DVIFLVDIVL